The following is an entry in ClinVar:

NM_032620.4(GTPBP3):c.229G>A (p.Ala77Thr)

Gene: GTPBP3 (GTP binding protein 3, mitochondrial; plus strand). Cytogenetic location: 19p13.11.
Variant type: single nucleotide variant.
Coding change: c.229G>A on transcript NM_032620.4 (MANE Select); coding-DNA position 229, G replaced by A.
Protein change: p.Ala77Thr; replaces alanine 77 with threonine.
Molecular consequence: missense variant.
Genome position (GRCh38, 1-based): chr19:17,338,183, G>A. VCF-style: chr19-17338183-G-A. GRCh37 (hg19) VCF-style: chr19-17448992-G-A.
Other names: c.229G>A, p.Ala77Thr (NM_001128855.3, NM_133644.4); c.295G>A, p.Ala99Thr (NM_001195422.1); c.229G>A (NM_133644.3); short protein forms A77T, A99T.
Identifiers: ClinVar variation 1505242 (VCV001505242.7), dbSNP rs374307045, ClinGen allele CA9293265.

ClinVar aggregate classification (germline): Uncertain significance. Review status: criteria provided, multiple submitters, no conflicts (2 of 4 stars). 2 submissions from 2 submitters: Uncertain significance (2). Last evaluated 2024-09-06.

Conditions:
Inborn genetic diseases. Identifiers: MedGen C0950123, MeSH D030342.

Allele frequency attached by ClinVar (database versions not stated): ExAC 0.00001; gnomAD exomes 0.00002; gnomAD 0.00003; ESP Exome Variant Server 0.00008.
gnomAD v4.1: 11 of 1,588,608 alleles (0.00069%); highest among the groups gnomAD compares: Admixed American, 0.012%; no homozygotes.

Submissions (2):

Labcorp Genetics (formerly Invitae), Labcorp
Classification: Uncertain significance. Last evaluated: 2024-09-06. Review status: criteria provided, single submitter. Criteria: Invitae Variant Classification Sherloc (09022015). Collection method: clinical testing. Allele origin: germline.
Comment: This sequence change replaces alanine, which is neutral and non-polar, with threonine, which is neutral and polar, at codon 77 of the GTPBP3 protein (p.Ala77Thr). The frequency data for this variant in the population databases is considered unreliable, as metrics indicate poor data quality at this position in the gnomAD database. This variant has not been reported in the literature in individuals affected with GTPBP3-related conditions. ClinVar contains an entry for this variant (Variation ID: 1505242). Invitae Evidence Modeling of protein sequence and biophysical properties (such as structural, functional, and spatial information, amino acid conservation, physicochemical variation, residue mobility, and thermodynamic stability) indicates that this missense variant is not expected to disrupt GTPBP3 protein function with a negative predictive value of 80%. In summary, the available evidence is currently insufficient to determine the role of this variant in disease. Therefore, it has been classified as a Variant of Uncertain Significance.

Ambry Genetics
Classification: Uncertain significance for Inborn genetic diseases. Last evaluated: 2024-06-25. Review status: criteria provided, single submitter. Criteria: Ambry Variant Classification Scheme 2023. Collection method: clinical testing. Allele origin: germline.